The following is an entry in ClinVar:

NM_000020.3(ACVRL1):c.1133C>G (p.Pro378Arg)

Gene: ACVRL1 (activin A receptor like type 1; plus strand). Cytogenetic location: 12q13.13.
Variant type: single nucleotide variant.
Coding change: c.1133C>G on transcript NM_000020.3 (MANE Select); coding-DNA position 1133, C replaced by G.
Protein change: p.Pro378Arg; replaces proline 378 with arginine.
Molecular consequence: missense variant.
Genome position (GRCh38, 1-based): chr12:51,916,120, C>G. VCF-style: chr12-51916120-C-G. GRCh37 (hg19) VCF-style: chr12-52309904-C-G.
Other names: c.1133C>G, p.Pro378Arg (NM_001077401.2); short protein forms P378R.
Identifiers: ClinVar variation 838395 (VCV000838395.9), dbSNP rs1940833669, ClinGen allele CA384902489.

ClinVar aggregate classification (germline): Likely pathogenic (1 of 4 stars; one submission).

Conditions:
Telangiectasia, hereditary hemorrhagic, type 2 (HHT2). Also called: Telangiectasia, hereditary hemorrhagic, type II; ACVRL1-Related Hereditary Hemorrhagic Telangiectasia. Identifiers: Orphanet 774, MedGen C1838163, MONDO:0010880, OMIM 600376. Disease mechanism: loss of function.

Submission:

Labcorp Genetics (formerly Invitae), Labcorp
Classification: Likely pathogenic for Telangiectasia, hereditary hemorrhagic, type 2. Last evaluated: 2020-03-18. Review status: criteria provided, single submitter. Criteria: Invitae Variant Classification Sherloc (09022015). Collection method: clinical testing. Allele origin: germline.
Comment: This sequence change replaces proline with arginine at codon 378 of the ACVRL1 protein (p.Pro378Arg). The proline residue is highly conserved and there is a moderate physicochemical difference between proline and arginine. This variant is not present in population databases (ExAC no frequency). This variant has been observed in an individual with clinical features of hereditary hemorrhagic telangiectasia (Invitae). Advanced modeling of protein sequence and biophysical properties (such as structural, functional, and spatial information, amino acid conservation, physicochemical variation, residue mobility, and thermodynamic stability) performed at Invitae indicates that this missense variant is expected to disrupt ACVRL1 protein function. This variant disrupts the p.Pro378 amino acid residue in ACVRL1. Other variant(s) that disrupt this residue have been determined to be pathogenic (PMID: 20414677, 26176610, 21158752, 24196379, 15712271). This suggests that this residue is clinically significant, and that variants that disrupt this residue are likely to be disease-causing. In summary, the currently available evidence indicates that the variant is pathogenic, but additional data are needed to prove that conclusively. Therefore, this variant has been classified as Likely Pathogenic.

Literature cited by the submitters: PubMed 20414677; PubMed 26176610; PubMed 21158752; PubMed 24196379; PubMed 15712271.